The following is an entry in ClinVar:

NM_001378609.3(OTOGL):c.2394C>T (p.Phe798=)

Gene: OTOGL (otogelin like; plus strand). Cytogenetic location: 12q21.31.
Variant type: single nucleotide variant.
Coding change: c.2394C>T on transcript NM_001378609.3 (MANE Select); coding-DNA position 2394, C replaced by T.
Protein change: p.Phe798=; no amino-acid change (phenylalanine 798 retained).
Molecular consequence: synonymous variant.
Genome position (GRCh38, 1-based): chr12:80,267,256, C>T. VCF-style: chr12-80267256-C-T. GRCh37 (hg19) VCF-style: chr12-80661036-C-T.
Other names: p.Phe789=; c.2394C>T, p.Phe798= (NM_001368062.3, NM_001378610.3, NM_173591.7).
Identifiers: ClinVar variation 1282568 (VCV001282568.14), dbSNP rs111695304, ClinGen allele CA6700774.

ClinVar aggregate classification (germline): Benign/Likely benign. Review status: criteria provided, multiple submitters, no conflicts (2 of 4 stars). 6 submissions from 6 submitters: Benign (3); Likely benign (2). 1 of the submissions does not count toward it. Last evaluated 2025-11-10.

Conditions:
OTOGL-related disorder. Also called: OTOGL-related condition.

Allele frequency attached by ClinVar (database versions not stated): gnomAD exomes 0.00019 and 0.00049; 1000 Genomes Project 30x 0.00094; 1000 Genomes Project 0.00120; ExAC 0.00166; ESP Exome Variant Server 0.00177; gnomAD 0.00219 and 0.00233; TOPMed 0.00251.

Submissions (6):

Labcorp Genetics (formerly Invitae), Labcorp
Classification: Benign. Last evaluated: 2025-11-10. Review status: criteria provided, single submitter. Criteria: Invitae Variant Classification Sherloc (09022015). Collection method: clinical testing. Allele origin: germline.

Mayo Clinic Laboratories, Mayo Clinic
Classification: Benign. Last evaluated: 2024-10-16. Review status: criteria provided, single submitter. Criteria: ACMG Guidelines, 2015. Collection method: clinical testing. Allele origin: germline. Observed: 1 variant allele.
Comment: BA1, BS2, BP4, BP7

Blueprint Genetics
Classification: Likely benign. Last evaluated: 2024-10-09. Review status: criteria provided, single submitter. Criteria: ACMG Guidelines, 2015. Collection method: clinical testing. Allele origin: germline.

GeneDx
Classification: Benign. Last evaluated: 2019-05-28. Review status: criteria provided, single submitter. Criteria: GeneDx Variant Classification Process June 2021. Collection method: clinical testing. Allele origin: germline. Affected: yes.

Breakthrough Genomics
Classification: Likely benign. Review status: criteria provided, single submitter. Criteria: ACMG Guidelines, 2015. Collection method: not provided. Allele origin: germline. Inheritance: Autosomal recessive inheritance. Affected: yes.

PreventionGenetics, part of Exact Sciences
Classification: Likely benign for OTOGL-related condition. Last evaluated: 2019-11-07. Review status: no assertion criteria provided. Collection method: clinical testing. Allele origin: germline. Not counted in ClinVar's aggregate classification.
Comment: This variant is classified as likely benign based on ACMG/AMP sequence variant interpretation guidelines (Richards et al. 2015 PMID: 25741868, with internal and published modifications).